The following is an entry in ClinVar:

NM_004991.4(MECOM):c.2042T>A (p.Leu681Gln)

Gene: MECOM (MDS1 and EVI1 complex locus; minus strand). Cytogenetic location: 3q26.2.
Variant type: single nucleotide variant.
Coding change: c.2042T>A on transcript NM_004991.4 (MANE Select); coding-DNA position 2042, T replaced by A.
Protein change: p.Leu681Gln; replaces leucine 681 with glutamine.
Molecular consequence: missense variant. On other transcripts: intron variant (2).
Genome position (GRCh38, 1-based): chr3:169,115,830, A>T on the plus strand (T>A on the coding strand, the complement: MECOM is on the minus strand). VCF-style: chr3-169115830-A-T. GRCh37 (hg19) VCF-style: chr3-168833618-A-T.
Other names: c.1673T>A, p.Leu558Gln (NM_001105077.4); c.1478T>A, p.Leu493Gln (NM_001105078.4, NM_001164000.2, NM_001205194.2 and 4 more transcripts); c.1481T>A, p.Leu494Gln (NM_001163999.2, NM_001366467.2, NM_001366468.2 and 1 more transcripts); c.2042T>A, p.Leu681Gln (NM_001366466.2); c.1133-63T>A (NM_001366473.2); c.569-63T>A (NM_001366474.2); short protein forms L558Q, L681Q, L494Q, L493Q.
Identifiers: ClinVar variation 4053252 (VCV004053252.1).

ClinVar aggregate classification (germline): Uncertain significance (1 of 4 stars; one submission).

Conditions:
Inborn genetic diseases. Identifiers: MedGen C0950123, MeSH D030342.

Submission:

Ambry Genetics
Classification: Uncertain significance for Inborn genetic diseases. Last evaluated: 2025-05-16. Review status: criteria provided, single submitter. Criteria: Ambry Variant Classification Scheme 2023. Collection method: clinical testing. Allele origin: germline.
Comment: The p.L681Q variant (also known as c.2042T>A), located in coding exon 8 of the MECOM gene, results from a T to A substitution at nucleotide position 2042. The leucine at codon 681 is replaced by glutamine, an amino acid with dissimilar properties. This amino acid position is conserved. In addition, the in silico prediction for this alteration is inconclusive. Based on the available evidence, the clinical significance of this variant remains unclear.